The following is an entry in ClinVar:

NM_012239.6(SIRT3):c.483G>T (p.Gly161=)

Gene: SIRT3 (sirtuin 3; minus strand). Cytogenetic location: 11p15.5.
Variant type: single nucleotide variant.
Coding change: c.483G>T on transcript NM_012239.6 (MANE Select); coding-DNA position 483, G replaced by T.
Protein change: p.Gly161=; no amino-acid change (glycine 161 retained).
Molecular consequence: synonymous variant. On other transcripts: non-coding transcript variant (17), intron variant (2).
Genome position (GRCh38, 1-based): chr11:233,206, C>A on the plus strand (G>T on the coding strand, the complement: SIRT3 is on the minus strand). VCF-style: chr11-233206-C-A. GRCh37 (hg19) VCF-style: chr11-233206-C-A.
Other names: c.57G>T, p.Gly19= (NM_001017524.3, NM_001370318.1, NM_001370319.1 and 6 more transcripts); c.483G>T, p.Gly161= (NM_001370310.1, NM_001370314.1); c.291G>T, p.Gly97= (NM_001370312.1); c.240G>T, p.Gly80= (NM_001370315.1); c.-10+3410G>T (NM_001370317.1); c.135+2988G>T (NM_001370316.1).
Identifiers: ClinVar variation 3036236 (VCV003036236.2), dbSNP rs987645337, ClinGen allele CA216902578.

ClinVar aggregate classification (germline): Likely benign (0 of 4 stars; one submission).

Conditions:
SIRT3-related disorder. Also called: SIRT3-related condition.

Allele frequency attached by ClinVar (database versions not stated): gnomAD 0.00002; TOPMed 0.00004.

Submission:

PreventionGenetics, part of Exact Sciences
Classification: Likely benign for SIRT3-related condition. Last evaluated: 2020-07-27. Review status: no assertion criteria provided. Collection method: clinical testing. Allele origin: germline.
Comment: This variant is classified as likely benign based on ACMG/AMP sequence variant interpretation guidelines (Richards et al. 2015 PMID: 25741868, with internal and published modifications).